The following is an entry in ClinVar:

NM_080916.3(DGUOK):c.143-6T>C

Gene: DGUOK (deoxyguanosine kinase; plus strand). Cytogenetic location: 2p13.1.
Variant type: single nucleotide variant.
Coding change: c.143-6T>C on transcript NM_080916.3 (MANE Select); 6 bases into the intron before coding-DNA position 143, T replaced by C.
Molecular consequence: intron variant.
Genome position (GRCh38, 1-based): chr2:73,938,904, T>C. VCF-style: chr2-73938904-T-C. GRCh37 (hg19) VCF-style: chr2-74166031-T-C.
Other names: c.-37+6221T>C (NM_001318861.2, NM_001318862.2); c.143-6T>C (NM_080918.3, NM_001318859.2, NM_080916.2); c.-36-7815T>C (NM_001318860.2, NM_001318863.2).
Identifiers: ClinVar variation 1970138 (VCV001970138.4), dbSNP rs745839646, ClinGen allele CA1718186.

ClinVar aggregate classification (germline): Uncertain significance. Review status: criteria provided, single submitter (1 of 4 stars). 2 submissions from 2 submitters: Uncertain significance (1). 1 of the submissions does not count toward it. Last evaluated 2022-07-18.

Conditions:
DGUOK-related disorder. Also called: DGUOK-related condition.

Allele frequency attached by ClinVar (database versions not stated): ExAC 0.00001; gnomAD 0.00001; gnomAD exomes 0.00001.
gnomAD v4.1: 4 of 1,601,670 alleles (0.00025%); highest among the groups gnomAD compares: Admixed American, 0.0033%; no homozygotes.

Submissions (2):

Labcorp Genetics (formerly Invitae), Labcorp
Classification: Uncertain significance. Last evaluated: 2022-07-18. Review status: criteria provided, single submitter. Criteria: Invitae Variant Classification Sherloc (09022015). Collection method: clinical testing. Allele origin: germline.
Comment: This sequence change falls in intron 1 of the DGUOK gene. It does not directly change the encoded amino acid sequence of the DGUOK protein. This variant is present in population databases (rs745839646, gnomAD 0.003%). This variant has not been reported in the literature in individuals affected with DGUOK-related conditions. Algorithms developed to predict the effect of sequence changes on RNA splicing suggest that this variant may disrupt the consensus splice site. In summary, the available evidence is currently insufficient to determine the role of this variant in disease. Therefore, it has been classified as a Variant of Uncertain Significance.

PreventionGenetics, part of Exact Sciences
Classification: Likely benign for DGUOK-related condition. Last evaluated: 2021-03-04. Review status: no assertion criteria provided. Collection method: clinical testing. Allele origin: germline. Not counted in ClinVar's aggregate classification.
Comment: This variant is classified as likely benign based on ACMG/AMP sequence variant interpretation guidelines (Richards et al. 2015 PMID: 25741868, with internal and published modifications).